The following is an entry in ClinVar:

NM_000391.4(TPP1):c.1496del (p.Pro499fs)

Gene: TPP1 (tripeptidyl peptidase 1; minus strand). Cytogenetic location: 11p15.4.
Variant type: Deletion.
Coding change: c.1496del on transcript NM_000391.4 (MANE Select); coding-DNA position 1496, one base deleted (C; older notation c.1496delC).
Protein change: p.Pro499fs; shifts the reading frame from proline 499.
Molecular consequence: frameshift variant.
Genome position (GRCh38, 1-based): chr11:6,614,921, G deleted on the plus strand (C on the coding strand, the reverse complement: TPP1 is on the minus strand); the first of 6 consecutive G bases (chr11:6,614,921-6,614,926); deleting any one gives the same sequence. VCF-style (leftmost placement, unchanged base first): chr11-6614920-AG-A. GRCh37 (hg19) VCF-style: chr11-6636151-AG-A.
Other names: short protein forms P499fs.
Identifiers: ClinVar variation 1452558 (VCV001452558.6), dbSNP rs756963463, ClinGen allele CA645575500.
Genomic context (GRCh38, chr11:6,614,920, plus strand): 5'-ACTTACATCAAAGAGTCCTGCCCCATGCTGCTGGTAGAGCCTTGGGTTGAGAAAGCCAAG[AG>A]GGGGGCGGCCACTAAGGATCCTGTGCTCATTGATCAAGGATAGGATCCCCCCAAACACTG-3'

ClinVar aggregate classification (germline): Pathogenic (1 of 4 stars; one submission).

Submission:

Labcorp Genetics (formerly Invitae), Labcorp
Classification: Pathogenic. Last evaluated: 2021-09-19. Review status: criteria provided, single submitter. Criteria: Invitae Variant Classification Sherloc (09022015). Collection method: clinical testing. Allele origin: germline.
Comment: For these reasons, this variant has been classified as Pathogenic. This variant disrupts a region of the TPP1 protein in which other variant(s) (p.Trp542*) have been determined to be pathogenic (PMID: 31283065; Invitae). This suggests that this is a clinically significant region of the protein, and that variants that disrupt it are likely to be disease-causing. This variant has not been reported in the literature in individuals affected with TPP1-related conditions. This variant is not present in population databases (ExAC no frequency). This sequence change creates a premature translational stop signal (p.Pro499Leufs*20) in the TPP1 gene. While this is not anticipated to result in nonsense mediated decay, it is expected to disrupt the last 65 amino acid(s) of the TPP1 protein.

Literature cited by the submitters: PubMed 31283065.